The following is an entry in ClinVar:

NM_001083962.2(TCF4):c.1738C>T (p.Arg580Trp)

Gene: TCF4 (transcription factor 4; minus strand). Cytogenetic location: 18q21.2.
Variant type: single nucleotide variant.
Coding change: c.1738C>T on transcript NM_001083962.2 (MANE Select); coding-DNA position 1738, C replaced by T.
Protein change: p.Arg580Trp; replaces arginine 580 with tryptophan.
Molecular consequence: missense variant.
Genome position (GRCh38, 1-based): chr18:55,228,988, G>A on the plus strand (C>T on the coding strand, the complement: TCF4 is on the minus strand). VCF-style: chr18-55228988-G-A. GRCh37 (hg19) VCF-style: chr18-52896219-G-A.
Other names: c.2044C>T, p.Arg682Trp (NM_001243226.3); c.1666C>T, p.Arg556Trp (NM_001243227.2, NM_001348217.1, NM_001348218.2 and 1 more transcripts); c.1756C>T, p.Arg586Trp (NM_001243228.2); c.1717C>T, p.Arg573Trp (NM_001243230.2); c.1600C>T, p.Arg534Trp (NM_001243231.2); c.1525C>T, p.Arg509Trp (NM_001243232.1); c.1336C>T, p.Arg446Trp (NM_001243233.2, NM_001348212.2); c.1258C>T, p.Arg420Trp (NM_001243234.2, NM_001348216.2); and 14 more; short protein forms R576W, R580W, R682W, R364W, R505W, R534W, R552W, R557W.
Identifiers: ClinVar variation 7370 (VCV000007370.25), dbSNP rs121909120, ClinGen allele CA254160.

ClinVar aggregate classification (germline): Pathogenic. Review status: reviewed by expert panel (3 of 4 stars). 15 submissions from 15 submitters: Pathogenic (1). 14 of the submissions do not count toward it. Last evaluated 2021-03-26.

Conditions:
Severe intellectual deficiency.
Inborn genetic diseases. Identifiers: MedGen C0950123, MeSH D030342.
Pitt-Hopkins syndrome (PTHS). Also called: MENTAL RETARDATION, SYNDROMAL, WITH INTERMITTENT HYPERVENTILATION; ENCEPHALOPATHY, SEVERE EPILEPTIC, WITH AUTONOMIC DYSFUNCTION. Identifiers: Orphanet 2896, MedGen C1970431, MONDO:0012589, OMIM 610954.

Submissions (15):

ClinGen Rett and Angelman-like Disorders Variant Curation Expert Panel
Classification: Pathogenic for Pitt-Hopkins syndrome. Last evaluated: 2021-03-26. Review status: reviewed by expert panel. Criteria: ClinGen RettAS ACMG Specifications V1. Collection method: curation. Allele origin: germline. Inheritance: Autosomal dominant inheritance.
Comment: The p.Arg580Trp variant in TCF4 has been reported in at least 2 de novo occurrences (biological parentage unconfirmed) in individuals with Pitt-Hopkins syndrome (PMID 17436254, 22045651) (PM6_strong, PS4_supporting, PP4). The p.Arg580Trp in TCF4 is absent from gnomAD (PM2_supporting). The p.Arg580Trp variant occurs in the well-characterized basic Helix-Loop-Helix domain of TCF4 (PM1). In vitro binding assays have shown that this variant impacts protein function (PMID 22460224) (PS3_supporting). Computational prediction analysis tools suggests a deleterious impact; however, this information does not predict clinical significance on its own (PP3). In summary, the p.Arg580Trp variant in TCF4 is classified as Pathogenic for Pitt-Hopkins syndrome based on the ACMG/AMP criteria (PM6_strong, PM1, PM2_supporting, PS4_supporting, PP3, PP4).

Variantyx, Inc.
Classification: Pathogenic for Pitt-Hopkins syndrome. Last evaluated: 2025-08-26. Review status: criteria provided, single submitter. Criteria: Variantyx Assertion Criteria 2022. Collection method: clinical testing. Allele origin: de novo. Inheritance: Autosomal dominant inheritance. Affected: yes. Not counted in ClinVar's aggregate classification.
Comment: This is a nonsynonymous variant in the TCF4 gene (OMIM: 602272). Pathogenic variants in this gene have been associated with autosomal dominant Pitt-Hopkins syndrome. This variant has been reported in at least four unrelated affected individual (PMID: 17436254, 29318938, 31130284) (PS4_Moderate), while it is absent from control populations (PM2). Functional studies have shown that this variant alters TCF4 protein function (PMID: 22777675, 26621827) (PS3), and multiple computational algorithms predict a deleterious effect for this variant (REVEL score: 0.973) (PP3). Other reputable laboratories have reported this variant as pathogenic or likely pathogenic, and this classification has been validated by an expert panel in ClinVar. Based on the current evidence, this variant is classified as pathogenic for autosomal dominant Pitt-Hopkins syndrome.

Labcorp Genetics (formerly Invitae), Labcorp
Classification: Pathogenic for Pitt-Hopkins syndrome. Last evaluated: 2024-02-24. Review status: criteria provided, single submitter. Criteria: Invitae Variant Classification Sherloc (09022015). Collection method: clinical testing. Allele origin: germline. Not counted in ClinVar's aggregate classification.
Comment: This sequence change replaces arginine, which is basic and polar, with tryptophan, which is neutral and slightly polar, at codon 580 of the TCF4 protein (p.Arg580Trp). This variant is not present in population databases (gnomAD no frequency). This missense change has been observed in individual(s) with Pitt-Hopkins syndrome (PHS) (PMID: 17436254, 17436255). In at least one individual the variant was observed to be de novo. This variant is also known as c.1726C>T; p.R576W. ClinVar contains an entry for this variant (Variation ID: 7370). Advanced modeling of protein sequence and biophysical properties (such as structural, functional, and spatial information, amino acid conservation, physicochemical variation, residue mobility, and thermodynamic stability) performed at Invitae indicates that this missense variant is expected to disrupt TCF4 protein function with a positive predictive value of 95%. Experimental studies have shown that this missense change affects TCF4 function (PMID: 22460224, 22777675). This variant disrupts the p.Arg580 amino acid residue in TCF4. Other variant(s) that disrupt this residue have been determined to be pathogenic (PMID: 17436254, 19235238). This suggests that this residue is clinically significant, and that variants that disrupt this residue are likely to be disease-causing. For these reasons, this variant has been classified as Pathogenic.

3billion
Classification: Pathogenic for Pitt-Hopkins syndrome. Last evaluated: 2023-12-02. Review status: criteria provided, single submitter. Criteria: ACMG Guidelines, 2015. Collection method: clinical testing. Allele origin: germline. Affected: yes. Not counted in ClinVar's aggregate classification.
Comment: The variant is not observed in the gnomAD v2.1.1 dataset. Predicted Consequence/Location: The variant is located in a mutational hot spot and/or well-established functional domain in which established pathogenic variants have been reported. Functional studies provide supporting evidence of the variant having a damaging effect on the gene or gene product (PMID: 22460224). In silico tool predictions suggest damaging effect of the variant on gene or gene product [REVEL: 0.97 (>=0.6, sensitivity 0.68 and specificity 0.92); 3Cnet: 1.00 (>=0.6, sensitivity 0.72 and precision 0.9)]. Same nucleotide change resulting in same amino acid change (ClinVar ID: VCV000007370 /PMID: 17436254) and a different missense change at the same codon (p.Arg580Gln / ClinVar ID: VCV000007371 /PMID: 17436254) have been previously reported as pathogenic/likely pathogenic with strong evidence. Therefore, this variant is classified as Pathogenic according to the recommendation of ACMG/AMP guideline.

GeneDx
Classification: Pathogenic. Last evaluated: 2023-03-17. Review status: criteria provided, single submitter. Criteria: GeneDx Variant Classification Process June 2021. Collection method: clinical testing. Allele origin: germline. Affected: yes. Not counted in ClinVar's aggregate classification.
Comment: In vitro and in vivo functional studies indicate it alters protein localization and affects homo- and heterodimer formation, thereby inhibiting protein-protein interactions (Sepp et al., 2012; Forrest et al,. 2012); Not observed at significant frequency in large population cohorts (gnomAD); This variant is associated with the following publications: (PMID: 22460224, 29318938, 22777675, 17436254, 18781613, 26621827, 17436255, 16531728, 29655203, 31130284, 32369273, 33624935, 31785789, 35599849, 35719373)

Laboratory for Molecular Medicine, Mass General Brigham Personalized Medicine
Classification: Pathogenic for Pitt-Hopkins syndrome. Last evaluated: 2022-11-15. Review status: criteria provided, single submitter. Criteria: ACMG Guidelines, 2015. Collection method: clinical testing. Allele origin: germline. Inheritance: Autosomal dominant inheritance. Not counted in ClinVar's aggregate classification.
Comment: The p.Arg580Trp variant in TCF4 has been reported in at least 6 individuals with Pitt-Hopkins syndrome, including 4 de novo occurrences, one of which with confirmed parentage (Amiel 2007 PMID: 17436254, Zweier 2007 PMID: 17436255, Giurgea 2008 PMID: 18781613, Marangi 2011 PMID: 21671391, Goodspeed 2018 PMID: 29318938, Abe-Hatano 2021 PMID: 33624935). It was absent from large population studies. In vitro and drosophila functional studies provide some evidence that this variant impacts protein function (Sepp 2012 PMID: 22460224, Forrest 2012 PMID: 22777675, Tamberg 2015 PMID: 26621827) and computational prediction tools and conservation analyses are consistent with pathogenicity. This variant occurs in the basic Helix-Loop-Helix domain (bHLH), which has been well described. Another variant involving this codon (p.Arg580Gln) has been identified in individuals with Pitt-Hopkins and is classified as pathogenic by the ClinGen-approved Rett and Angelman-like Disorders expert panel in ClinVar. Additionally, this variant was also classified as Pathogenic on March 26, 2021 by the expert panel (Variation ID 7370). In summary, this variant meets criteria to be classified as pathogenic for autosomal dominant Pitt-Hopkins. ACMG/AMP Criteria applied: PM6_Strong, PS4, PM5, PM2_Supporting, PS3_Supporting, PP3.

Institute of Human Genetics, University of Leipzig Medical Center
Classification: Pathogenic for Pitt-Hopkins syndrome. Last evaluated: 2022-08-29. Review status: criteria provided, single submitter. Criteria: ACMG Guidelines, 2015. Collection method: clinical testing. Allele origin: de novo. Affected: yes. Not counted in ClinVar's aggregate classification.
Comment: This variant was identified as de novo (maternity and paternity confirmed)._x000D_ Criteria applied: PS2_VSTR, PS4_MOD, PM1, PM5, PS3_SUP, PM2_SUP, PP3

Institute of Medical Genetics and Applied Genomics, University Hospital Tübingen
Classification: Pathogenic. Last evaluated: 2020-10-23. Review status: criteria provided, single submitter. Criteria: ACMG Guidelines, 2015. Collection method: clinical testing. Allele origin: germline. Inheritance: Unknown mechanism. Affected: yes. Not counted in ClinVar's aggregate classification.

Greenwood Genetic Center Diagnostic Laboratories, Greenwood Genetic Center
Classification: Pathogenic. Last evaluated: 2020-07-28. Review status: criteria provided, single submitter. Criteria: ACMG Guidelines, 2015. Collection method: clinical testing. Allele origin: germline. Affected: yes. Not counted in ClinVar's aggregate classification.
Comment: PS2, PS3, PS4, PM2

Ambry Genetics
Classification: Pathogenic for Inborn genetic diseases. Last evaluated: 2019-10-02. Review status: criteria provided, single submitter. Criteria: Ambry exome assertion method (8-5-2015). Collection method: clinical testing. Allele origin: germline. Affected: yes. Observed: 1 variant allele. Not counted in ClinVar's aggregate classification.

Molecular Genetics Laboratory, BC Children's and BC Women's Hospitals
Classification: Pathogenic for Pitt-Hopkins syndrome. Last evaluated: 2018-08-30. Review status: criteria provided, single submitter. Criteria: ACMG Guidelines, 2015. Collection method: clinical testing. Allele origin: de novo. Affected: yes. Not counted in ClinVar's aggregate classification.

National Institute of Neuroscience, National Center of Neurology and Psychiatry
Classification: Pathogenic for Pitt-Hopkins syndrome. Review status: criteria provided, single submitter. Criteria: ACMG Guidelines, 2015. Collection method: research. Allele origin: de novo. Affected: yes. Observed: 1 variant allele. Not counted in ClinVar's aggregate classification.

Suma Genomics
Classification: Pathogenic for Pitt-Hopkins syndrome. Review status: criteria provided, single submitter. Criteria: ACMG Guidelines, 2015. Collection method: clinical testing. Allele origin: de novo. Inheritance: Autosomal dominant inheritance. Affected: yes. Not counted in ClinVar's aggregate classification.

OMIM
Classification: Pathogenic for PITT-HOPKINS SYNDROME. Last evaluated: 2007-05-01. Review status: no assertion criteria provided. Collection method: literature only. Allele origin: germline. Not counted in ClinVar's aggregate classification.

Laboratory of Molecular Genetics, CHU Rennes
Classification: Likely pathogenic for Severe intellectual deficiency. Review status: no assertion criteria provided. Collection method: clinical testing. Allele origin: de novo. Affected: yes. Not counted in ClinVar's aggregate classification.

Literature cited by the submitters: PubMed 17436254 (cited by 6 submitters); PubMed 22777675 (cited by Variantyx, Inc. and Labcorp Genetics (formerly Invitae), Labcorp); PubMed 26621827 (cited by Variantyx, Inc. and Ambry Genetics); PubMed 29318938 (cited by Variantyx, Inc. and Ambry Genetics); PubMed 31130284 (cited by Variantyx, Inc.); PubMed 17436255 (cited by 3 submitters); PubMed 22460224 (cited by Labcorp Genetics (formerly Invitae), Labcorp and 3billion); PubMed 19235238 (cited by Labcorp Genetics (formerly Invitae), Labcorp); PubMed 34837432 (cited by 3billion); PubMed 22045651 (cited by Ambry Genetics); PubMed 33624935 (cited by National Institute of Neuroscience, National Center of Neurology and Psychiatry); PubMed 16531728 (cited by OMIM); PubMed 12032737 (cited by OMIM).